The following is an entry in ClinVar:

NM_004977.3(KCNC3):c.1671G>C (p.Lys557Asn)

Gene: KCNC3 (potassium voltage-gated channel subfamily C member 3; minus strand). Cytogenetic location: 19q13.33.
Variant type: single nucleotide variant.
Coding change: c.1671G>C on transcript NM_004977.3 (MANE Select); coding-DNA position 1671, G replaced by C.
Protein change: p.Lys557Asn; replaces lysine 557 with asparagine.
Molecular consequence: missense variant.
Genome position (GRCh38, 1-based): chr19:50,323,282, C>G on the plus strand (G>C on the coding strand, the complement: KCNC3 is on the minus strand). VCF-style: chr19-50323282-C-G. GRCh37 (hg19) VCF-style: chr19-50826539-C-G.
Other names: c.1443G>C, p.Lys481Asn (NM_001372305.1); short protein forms K481N, K557N.
Identifiers: ClinVar variation 4682347 (VCV004682347.1).

ClinVar aggregate classification (germline): Uncertain significance (1 of 4 stars; one submission).

gnomAD v4.1: 1 of 1,609,272 alleles (0.000062%); highest among the groups gnomAD compares: Non-Finnish European, 0.000085%; no homozygotes.

Submission:

Athena Diagnostics
Classification: Uncertain significance. Last evaluated: 2024-12-31. Review status: criteria provided, single submitter. Criteria: Athena Diagnostics Criteria. Collection method: clinical testing. Allele origin: unknown.
Comment: Available data are insufficient to determine the clinical significance of the variant at this time. This variant has not been reported in large, multi-ethnic general populations. Polyphen and MutationTaster yielded discordant predictions regarding whether this amino acid change is damaging to the protein.